The following is an entry in ClinVar:

ClinVar aggregate classification (germline): Uncertain significance (1 of 4 stars; one submission).

Submission:

GeneDx
Classification: Uncertain significance. Last evaluated: 2023-12-14. Review status: criteria provided, single submitter. Criteria: GeneDx Variant Classification Process June 2021. Collection method: clinical testing. Allele origin: germline. Affected: yes.
Comment: Not observed at significant frequency in large population cohorts (gnomAD); In silico analysis supports that this missense variant does not alter protein structure/function; Has not been previously published as pathogenic or benign to our knowledge

NM_152296.5(ATP1A3):c.1902C>G (p.Ile634Met)

Gene: ATP1A3 (ATPase Na+/K+ transporting subunit alpha 3; minus strand). Cytogenetic location: 19q13.2.
Variant type: single nucleotide variant.
Coding change: c.1902C>G on transcript NM_152296.5 (MANE Select); coding-DNA position 1902, C replaced by G.
Protein change: p.Ile634Met; replaces isoleucine 634 with methionine.
Molecular consequence: missense variant.
Genome position (GRCh38, 1-based): chr19:41,977,977, G>C on the plus strand (C>G on the coding strand, the complement: ATP1A3 is on the minus strand). VCF-style: chr19-41977977-G-C. GRCh37 (hg19) VCF-style: chr19-42482129-G-C.
Other names: c.1935C>G, p.Ile645Met (NM_001256213.2); c.1941C>G, p.Ile647Met (NM_001256214.2); short protein forms I634M, I645M, I647M.
Identifiers: ClinVar variation 3365579 (VCV003365579.1).